The following is an entry in ClinVar:

NM_006180.6(NTRK2):c.939A>G (p.Pro313=)

Gene: NTRK2 (neurotrophic receptor tyrosine kinase 2; plus strand). Cytogenetic location: 9q21.33.
Variant type: single nucleotide variant.
Coding change: c.939A>G on transcript NM_006180.6 (MANE Select); coding-DNA position 939, A replaced by G.
Protein change: p.Pro313=; no amino-acid change (proline 313 retained).
Molecular consequence: synonymous variant.
Genome position (GRCh38, 1-based): chr9:84,727,739, A>G. VCF-style: chr9-84727739-A-G. GRCh37 (hg19) VCF-style: chr9-87342654-A-G.
Other names: c.939A>G, p.Pro313= (NM_001007097.3, NM_001018064.3, NM_001018065.2 and 16 more transcripts); c.900A>G, p.Pro300= (NM_001291937.2, NM_001369546.1); c.471A>G, p.Pro157= (NM_001369535.1, NM_001369536.1, NM_001369550.1 and 2 more transcripts).
Identifiers: ClinVar variation 5000384 (VCV005000384.1).

ClinVar aggregate classification (germline): Likely benign (1 of 4 stars; one submission).

Conditions:
NTRK2-related disorder. Also called: NTRK2-related condition.

Submission:

PreventionGenetics, part of Exact Sciences
Classification: Likely benign for NTRK2-related condition. Last evaluated: 2025-05-12. Review status: criteria provided, single submitter. Criteria: ACMG Guidelines, 2015. Collection method: clinical testing. Allele origin: germline.
Comment: This variant is classified as likely benign based on ACMG/AMP sequence variant interpretation guidelines (Richards et al. 2015 PMID: 25741868, with internal and published modifications).